The following is an entry in ClinVar:

ClinVar aggregate classification (germline): Pathogenic (1 of 4 stars; one submission).

Conditions:
Ehlers-Danlos syndrome, classic type, 1 (EDSCL1). Also called: EHLERS-DANLOS SYNDROME, GRAVIS TYPE; EHLERS-DANLOS SYNDROME, SEVERE CLASSIC TYPE; Ehlers-Danlos syndrome, type 1; EDS I; Ehlers-Danlos Syndrome, Classic Type, COL5A1-Related. Identifiers: MedGen C0268335, MONDO:0019567, OMIM 130000.

Submission:

Labcorp Genetics (formerly Invitae), Labcorp
Classification: Pathogenic for Ehlers-Danlos syndrome, classic type, 1. Last evaluated: 2021-08-26. Review status: criteria provided, single submitter. Criteria: Invitae Variant Classification Sherloc (09022015). Collection method: clinical testing. Allele origin: germline.
Comment: This sequence change creates a premature translational stop signal (p.Pro576Leufs*6) in the COL5A1 gene. It is expected to result in an absent or disrupted protein product. Loss-of-function variants in COL5A1 are known to be pathogenic (PMID: 23587214). This variant is not present in population databases (ExAC no frequency). This variant has not been reported in the literature in individuals affected with COL5A1-related conditions. For these reasons, this variant has been classified as Pathogenic.

Literature cited by the submitters: PubMed 23587214.

NM_000093.5(COL5A1):c.1727del (p.Pro576fs)

Gene: COL5A1 (collagen type V alpha 1 chain; plus strand). Cytogenetic location: 9q34.3.
Variant type: Deletion.
Coding change: c.1727del on transcript NM_000093.5 (MANE Select); coding-DNA position 1727, one base deleted (C; older notation c.1727delC).
Protein change: p.Pro576fs; shifts the reading frame from proline 576.
Molecular consequence: frameshift variant.
Genome position (GRCh38, 1-based): chr9:134,753,857, C deleted; the last of 5 consecutive C bases (chr9:134,753,853-134,753,857); deleting any one gives the same sequence. VCF-style (leftmost placement, unchanged base first): chr9-134753852-TC-T. GRCh37 (hg19) VCF-style: chr9-137645698-TC-T.
Other names: c.1727del, p.Pro576fs (NM_001278074.1); short protein forms P576fs.
Identifiers: ClinVar variation 1361188 (VCV001361188.6), dbSNP rs1488498065, ClinGen allele CA591106980.